The following is an entry in ClinVar:

NM_000782.5(CYP24A1):c.1011G>A (p.Trp337Ter)

Gene: CYP24A1 (cytochrome P450 family 24 subfamily A member 1; minus strand). Cytogenetic location: 20q13.2.
Variant type: single nucleotide variant.
Coding change: c.1011G>A on transcript NM_000782.5 (MANE Select); coding-DNA position 1011, G replaced by A.
Protein change: p.Trp337Ter; replaces tryptophan 337 with a stop codon.
Molecular consequence: nonsense.
Genome position (GRCh38, 1-based): chr20:54,159,103, C>T on the plus strand (G>A on the coding strand, the complement: CYP24A1 is on the minus strand). VCF-style: chr20-54159103-C-T. GRCh37 (hg19) VCF-style: chr20-52775642-C-T.
Other names: c.1011G>A, p.Trp337Ter (NM_001128915.2, NM_001424340.1, NM_001424341.1 and 2 more transcripts); short protein forms W337*.
Identifiers: ClinVar variation 4879498 (VCV004879498.1).
Genomic context (GRCh38, chr20:54,159,103, plus strand): 5'-TTGAATTTCCTTAAGAAGCTTTTGTTGCACTTGGGGATTACGGGATAAATTGTAGAGAAT[C>T]CACATTAGACTGTTTGCTGTCTGCAAGCCAAATGGACATAAACTTGAGTTTTTGTAAATA-3'

ClinVar aggregate classification (germline): Likely pathogenic (1 of 4 stars; one submission).

Conditions:
Hypercalcemia, infantile, 1 (HCINF1). Identifiers: Orphanet 300547, MedGen CN031131, MONDO:0020739, OMIM 143880.

gnomAD v4.1: 3 of 1,613,666 alleles (0.00019%); highest among the groups gnomAD compares: African/African-American, 0.0027%; no homozygotes.

Submission:

Clinical Genomics Laboratory, Washington University in St. Louis
Classification: Likely pathogenic for Hypercalcemia, infantile, 1. Last evaluated: 2026-02-28. Review status: criteria provided, single submitter. Criteria: ACMG Guidelines, 2015. Collection method: clinical testing. Allele origin: germline. Affected: yes.
Comment: The CYP24A1 c.1011G>A (p.Trp337*) variant, to our knowledge, has not been reported in the medical literature. This variant is only observed in 3/1,613,666 alleles in the general population (gnomAD v4.1.0), indicating it is not a common variant. This variant causes a premature termination codon, which is predicted to lead to nonsense mediated decay. Based on available information and the ACMG/AMP guidelines for variant interpretation (Richards S et al., PMID: 25741868), this variant is classified as likely pathogenic.